The following is an entry in ClinVar:

ClinVar aggregate classification (germline): Uncertain significance (1 of 4 stars; one submission).

Submission:

Ambry Genetics
Classification: Uncertain significance. Last evaluated: 2026-07-30. Review status: criteria provided, single submitter. Criteria: Ambry Variant Classification Scheme 2023. Collection method: clinical testing. Allele origin: germline.
Comment: The p.P56L variant (also known as c.167C>T), located in coding exon 1 of the PALLD gene, results from a C to T substitution at nucleotide position 167. The proline at codon 56 is replaced by leucine, an amino acid with similar properties. This amino acid position is conserved. In addition, this alteration is predicted to be tolerated by in silico analysis. Based on the available evidence, the clinical significance of this variant remains unclear.

NM_001166108.2(PALLD):c.1965-12864C>T

Gene: PALLD (palladin, cytoskeletal associated protein; plus strand). Cytogenetic location: 4q32.3.
Variant type: single nucleotide variant.
Coding change: c.1965-12864C>T on transcript NM_001166108.2 (MANE Select); 12864 bases into the intron before coding-DNA position 1965, C replaced by T.
Molecular consequence: intron variant. On other transcripts: missense variant (1).
Genome position (GRCh38, 1-based): chr4:168,878,058, C>T. VCF-style: chr4-168878058-C-T. GRCh37 (hg19) VCF-style: chr4-169799209-C-T.
Other names: c.167C>T, p.Pro56Leu (NM_001166110.2); c.1965-12864C>T (NM_016081.4); c.819-12864C>T (NM_001166109.2); c.-157-12864C>T (NM_001367570.1, NM_001367568.1, NM_001367567.1 and 1 more transcripts); short protein forms P56L.
Identifiers: ClinVar variation 5026233 (VCV005026233.1).